The following is an entry in ClinVar:

NM_015346.4(ZFYVE26):c.2777C>G (p.Ser926Cys)

Gene: ZFYVE26 (zinc finger FYVE-type containing 26; minus strand). Cytogenetic location: 14q24.1.
Variant type: single nucleotide variant.
Coding change: c.2777C>G on transcript NM_015346.4 (MANE Select); coding-DNA position 2777, C replaced by G.
Protein change: p.Ser926Cys; replaces serine 926 with cysteine.
Molecular consequence: missense variant.
Genome position (GRCh38, 1-based): chr14:67,789,577, G>C on the plus strand (C>G on the coding strand, the complement: ZFYVE26 is on the minus strand). VCF-style: chr14-67789577-G-C. GRCh37 (hg19) VCF-style: chr14-68256294-G-C.
Other names: short protein forms S926C.
Identifiers: ClinVar variation 1031908 (VCV001031908.3), dbSNP rs769154501, ClinGen allele CA7240170.

ClinVar aggregate classification (germline): Uncertain significance. Review status: criteria provided, multiple submitters, no conflicts (2 of 4 stars). 2 submissions from 2 submitters: Uncertain significance (2). Last evaluated 2022-10-05.

Conditions:
Hereditary spastic paraplegia 15 (SPG15). Also called: KJELLIN SYNDROME; SPASTIC PARAPLEGIA AND RETINAL DEGENERATION; SPASTIC PARAPLEGIA 15, AUTOSOMAL RECESSIVE. Identifiers: Orphanet 100996, MedGen C1849128, MONDO:0010044, OMIM 270700.
Spastic paraplegia. Identifiers: MedGen C0037772, HP:0001258.

Allele frequency attached by ClinVar (database versions not stated): gnomAD 0.00001; gnomAD exomes 0.00005 and 0.00011; TOPMed 0.00005; ExAC 0.00010.
gnomAD v4.1: 31 of 1,614,062 alleles (0.0019%); highest among the groups gnomAD compares: Admixed American, 0.052%; no homozygotes.

Submissions (2):

Labcorp Genetics (formerly Invitae), Labcorp
Classification: Uncertain significance for Spastic paraplegia. Last evaluated: 2022-10-05. Review status: criteria provided, single submitter. Criteria: Invitae Variant Classification Sherloc (09022015). Collection method: clinical testing. Allele origin: germline.
Comment: This sequence change replaces serine, which is neutral and polar, with cysteine, which is neutral and slightly polar, at codon 926 of the ZFYVE26 protein (p.Ser926Cys). This variant is present in population databases (rs769154501, gnomAD 0.08%). This variant has not been reported in the literature in individuals affected with ZFYVE26-related conditions. ClinVar contains an entry for this variant (Variation ID: 1031908). Algorithms developed to predict the effect of missense changes on protein structure and function are either unavailable or do not agree on the potential impact of this missense change (SIFT: "Tolerated"; PolyPhen-2: "Probably Damaging"; Align-GVGD: "Class C0"). In summary, the available evidence is currently insufficient to determine the role of this variant in disease. Therefore, it has been classified as a Variant of Uncertain Significance.

Baylor Genetics
Classification: Uncertain significance for Hereditary spastic paraplegia 15. Last evaluated: 2018-09-19. Review status: criteria provided, single submitter. Criteria: ACMG Guidelines, 2015. Collection method: clinical testing. Allele origin: maternal. Affected: yes.
Comment: This variant was determined to be of uncertain significance according to ACMG Guidelines, 2015 [PMID:25741868].